The following is an entry in ClinVar:

ClinVar aggregate classification (germline): Uncertain significance (1 of 4 stars; one submission).

Conditions:
Joubert syndrome. Also called: CEREBELLOPARENCHYMAL DISORDER IV; JOUBERT-BOLTSHAUSER SYNDROME; Familial aplasia of the vermis. Identifiers: Orphanet 475, MedGen C5979921, MONDO:0018772.
Meckel-Gruber syndrome. Also called: DYSENCEPHALIA SPLANCHNOCYSTICA; GRUBER SYNDROME; Dysencephalia splachnocystica. Identifiers: Orphanet 564, MedGen C0265215, MONDO:0018921.

Submission:

Labcorp Genetics (formerly Invitae), Labcorp
Classification: Uncertain significance for Joubert syndrome; Meckel-Gruber syndrome. Last evaluated: 2022-05-12. Review status: criteria provided, single submitter. Criteria: Invitae Variant Classification Sherloc (09022015). Collection method: clinical testing. Allele origin: germline.
Comment: This variant has not been reported in the literature in individuals affected with B9D1-related conditions. This variant is not present in population databases (gnomAD no frequency). This sequence change replaces proline, which is neutral and non-polar, with leucine, which is neutral and non-polar, at codon 203 of the B9D1 protein (p.Pro203Leu). Algorithms developed to predict the effect of missense changes on protein structure and function output the following: SIFT: "Tolerated"; PolyPhen-2: "Probably Damaging"; Align-GVGD: "Class C0". The leucine amino acid residue is found in multiple mammalian species, which suggests that this missense change does not adversely affect protein function. In summary, the available evidence is currently insufficient to determine the role of this variant in disease. Therefore, it has been classified as a Variant of Uncertain Significance.

NM_015681.6(B9D1):c.608C>T (p.Pro203Leu)

Gene: B9D1 (B9 domain containing 1; minus strand). Cytogenetic location: 17p11.2.
Variant type: single nucleotide variant.
Coding change: c.608C>T on transcript NM_015681.6 (MANE Select); coding-DNA position 608, C replaced by T.
Protein change: p.Pro203Leu; replaces proline 203 with leucine.
Molecular consequence: missense variant. On other transcripts: 3 prime UTR variant (2), intron variant (4).
Genome position (GRCh38, 1-based): chr17:19,343,326, G>A on the plus strand (C>T on the coding strand, the complement: B9D1 is on the minus strand). VCF-style: chr17-19343326-G-A. GRCh37 (hg19) VCF-style: chr17-19246639-G-A.
Other names: c.*133C>T (NM_001321214.2); c.*384C>T (NM_001321215.3); c.112+464C>T (NM_001368769.2); c.404+3943C>T (NM_001321219.2); c.472+464C>T (NM_001321218.2, NM_001321217.2); short protein forms P203L.
Identifiers: ClinVar variation 2142976 (VCV002142976.4), dbSNP rs1399095814, ClinGen allele CA398692177.